The following is an entry in ClinVar:

ClinVar aggregate classification (germline): Pathogenic (1 of 4 stars; one submission).

gnomAD v4.1: 1 of 1,614,034 alleles (0.000062%); highest among the groups gnomAD compares: Non-Finnish European, 0.000085%; no homozygotes.

Submission:

Labcorp Genetics (formerly Invitae), Labcorp
Classification: Pathogenic. Last evaluated: 2024-10-17. Review status: criteria provided, single submitter. Criteria: Invitae Variant Classification Sherloc (09022015). Collection method: clinical testing. Allele origin: germline.
Comment: This sequence change creates a premature translational stop signal (p.Tyr28*) in the PDE6A gene. It is expected to result in an absent or disrupted protein product. Loss-of-function variants in PDE6A are known to be pathogenic (PMID: 7493036, 22128245, 23847139). This variant is not present in population databases (gnomAD no frequency). This premature translational stop signal has been observed in individual(s) with retinitis pigmentosa (PMID: 33057649). For these reasons, this variant has been classified as Pathogenic.

Literature cited by the submitters: PubMed 7493036; PubMed 22128245; PubMed 23847139; PubMed 33057649.

NM_000440.3(PDE6A):c.84C>G (p.Tyr28Ter)

Gene: PDE6A (phosphodiesterase 6A; minus strand). Cytogenetic location: 5q32.
Variant type: single nucleotide variant.
Coding change: c.84C>G on transcript NM_000440.3 (MANE Select); coding-DNA position 84, C replaced by G.
Protein change: p.Tyr28Ter; replaces tyrosine 28 with a stop codon.
Molecular consequence: nonsense.
Genome position (GRCh38, 1-based): chr5:149,944,590, G>C on the plus strand (C>G on the coding strand, the complement: PDE6A is on the minus strand). VCF-style: chr5-149944590-G-C. GRCh37 (hg19) VCF-style: chr5-149324153-G-C.
Other names: c.84C>G, p.Tyr28Ter (NM_001410788.1); short protein forms Y28*.
Identifiers: ClinVar variation 3677042 (VCV003677042.2).